The following is an entry in ClinVar:

NM_001277115.2(DNAH11):c.11654G>T (p.Arg3885Ile)

Gene: DNAH11 (dynein axonemal heavy chain 11; plus strand). Cytogenetic location: 7p15.3.
Variant type: single nucleotide variant.
Coding change: c.11654G>T on transcript NM_001277115.2 (MANE Select); coding-DNA position 11654, G replaced by T.
Protein change: p.Arg3885Ile; replaces arginine 3885 with isoleucine.
Molecular consequence: missense variant.
Genome position (GRCh38, 1-based): chr7:21,866,627, G>T. VCF-style: chr7-21866627-G-T. GRCh37 (hg19) VCF-style: chr7-21906245-G-T.
Other names: c.11675G>T, p.Arg3892Ile (NM_003777.3); short protein forms R3892I, R3885I.
Identifiers: ClinVar variation 3083497 (VCV003083497.3), dbSNP rs772385542, ClinGen allele CA4182817.
Genomic context (GRCh38, chr7:21,866,627, plus strand): 5'-AAGAAAAATTACCTCAAGAATGGAAGAAGAAAAGTTTAATACAGAAGCTGATTCTTCTGA[G>T]AGCAATGCGCCCTGACAGAATGACGTATGCTCTCAGGTGGGGTGGTCAGCATTTTTGGAA-3'
Protein context (NP_001264044.1, residues 3875-3895): KSLIQKLILL[Arg3885Ile]AMRPDRMTYA

ClinVar aggregate classification (germline): Uncertain significance. Review status: criteria provided, single submitter (1 of 4 stars). 2 submissions from 2 submitters: Uncertain significance (1). 1 of the submissions does not count toward it. Last evaluated 2024-08-19.

Conditions:
DNAH11-related disorder. Also called: DNAH11-related condition.
Primary ciliary dyskinesia. Also called: Ciliary dyskinesia. Identifiers: Orphanet 244, MedGen C0008780, MONDO:0016575, HP:0012265.

Allele frequency attached by ClinVar (database versions not stated): TOPMed below 0.00001; gnomAD 0.00001; gnomAD exomes 0.00001; ExAC 0.00002.
gnomAD v4.1: 16 of 1,613,714 alleles (0.00099%); highest among the groups gnomAD compares: Non-Finnish European, 0.0014%; no homozygotes.

Submissions (2):

Ambry Genetics
Classification: Uncertain significance for Primary ciliary dyskinesia. Last evaluated: 2024-08-19. Review status: criteria provided, single submitter. Criteria: Ambry Variant Classification Scheme 2023. Collection method: clinical testing. Allele origin: germline.
Comment: The p.R3885I variant (also known as c.11654G>T), located in coding exon 71 of the DNAH11 gene, results from a G to T substitution at nucleotide position 11654. The arginine at codon 3885 is replaced by isoleucine, an amino acid with similar properties. This amino acid position is conserved. In addition, the in silico prediction for this alteration is inconclusive. Based on the available evidence, the clinical significance of this variant remains unclear.

PreventionGenetics, part of Exact Sciences
Classification: Uncertain significance for DNAH11-related condition. Last evaluated: 2024-08-23. Review status: no assertion criteria provided. Collection method: clinical testing. Allele origin: germline. Not counted in ClinVar's aggregate classification.
Comment: The DNAH11 c.11654G>T variant is predicted to result in the amino acid substitution p.Arg3885Ile. To our knowledge, this variant has not been reported in the literature. This variant is reported in 0.0018% of alleles in individuals of European (Non-Finnish) descent in gnomAD. At this time, the clinical significance of this variant is uncertain due to the absence of conclusive functional and genetic evidence.